The following is an entry in ClinVar:

NM_001184.4(ATR):c.1184C>T (p.Pro395Leu)

Gene: ATR (ATR serine/threonine kinase; minus strand). Cytogenetic location: 3q23.
Variant type: single nucleotide variant.
Coding change: c.1184C>T on transcript NM_001184.4 (MANE Select); coding-DNA position 1184, C replaced by T.
Protein change: p.Pro395Leu; replaces proline 395 with leucine.
Molecular consequence: missense variant.
Genome position (GRCh38, 1-based): chr3:142,561,408, G>A on the plus strand (C>T on the coding strand, the complement: ATR is on the minus strand). VCF-style: chr3-142561408-G-A. GRCh37 (hg19) VCF-style: chr3-142280250-G-A.
Other names: c.1184C>T, p.Pro395Leu (NM_001354579.2); short protein forms P395L.
Identifiers: ClinVar variation 3332034 (VCV003332034.1).
Genomic context (GRCh38, chr3:142,561,408, plus strand): 5'-GTTTGGCATTGAATCTCCTCAATGATTTCCATACTTTCCATTTTCAAAGCTGCATAAAGT[G>A]GGCCCAACAAGTACTGAGAAAATAAAAAATAATTTCCAGAAATATTCCTTAGAAAATATA-3'
Protein context (NP_001175.2, residues 385-405): IEVDAEYLLG[Pro395Leu]LYAALKMESM

ClinVar aggregate classification (germline): Uncertain significance (1 of 4 stars; one submission).

Conditions:
Inborn genetic diseases. Identifiers: MedGen C0950123, MeSH D030342.

Submission:

Ambry Genetics
Classification: Uncertain significance for Inborn genetic diseases. Last evaluated: 2024-05-27. Review status: criteria provided, single submitter. Criteria: Ambry Variant Classification Scheme 2023. Collection method: clinical testing. Allele origin: germline.
Comment: The p.P395L variant (also known as c.1184C>T), located in coding exon 5 of the ATR gene, results from a C to T substitution at nucleotide position 1184. The proline at codon 395 is replaced by leucine, an amino acid with similar properties. This amino acid position is conserved. In addition, this alteration is predicted to be tolerated by in silico analysis. Based on the available evidence, the clinical significance of this variant remains unclear.